The following is an entry in ClinVar:

NM_032119.4(ADGRV1):c.12479T>A (p.Ile4160Asn)

Gene: ADGRV1 (adhesion G protein-coupled receptor V1; plus strand). Cytogenetic location: 5q14.3.
Variant type: single nucleotide variant.
Coding change: c.12479T>A on transcript NM_032119.4 (MANE Select); coding-DNA position 12479, T replaced by A.
Protein change: p.Ile4160Asn; replaces isoleucine 4160 with asparagine.
Molecular consequence: missense variant. On other transcripts: non-coding transcript variant (1).
Genome position (GRCh38, 1-based): chr5:90,776,528, T>A. VCF-style: chr5-90776528-T-A. GRCh37 (hg19) VCF-style: chr5-90072345-T-A.
Other names: short protein forms I4160N.
Identifiers: ClinVar variation 907516 (VCV000907516.8), dbSNP rs1455010773, ClinGen allele CA360385776.

ClinVar aggregate classification (germline): Uncertain significance. Review status: criteria provided, multiple submitters, no conflicts (2 of 4 stars). 2 submissions from 2 submitters: Uncertain significance (2). Last evaluated 2024-02-17.

Conditions:
Usher syndrome type 2C. Also called: Usher syndrome, type 2B; USHER SYNDROME, TYPE IIC. Identifiers: Orphanet 231178, Orphanet 886, MedGen C2931213, MONDO:0011558, OMIM 605472.

Allele frequency attached by ClinVar (database versions not stated): gnomAD exomes below 0.00001.
gnomAD v4.1: 1 of 1,613,416 alleles (0.000062%); highest among the groups gnomAD compares: South Asian, 0.0011%; no homozygotes.

Submissions (2):

Labcorp Genetics (formerly Invitae), Labcorp
Classification: Uncertain significance. Last evaluated: 2024-02-17. Review status: criteria provided, single submitter. Criteria: Invitae Variant Classification Sherloc (09022015). Collection method: clinical testing. Allele origin: germline.
Comment: This sequence change replaces isoleucine, which is neutral and non-polar, with asparagine, which is neutral and polar, at codon 4160 of the ADGRV1 protein (p.Ile4160Asn). This variant is present in population databases (no rsID available, gnomAD 0.003%). This variant has not been reported in the literature in individuals affected with ADGRV1-related conditions. ClinVar contains an entry for this variant (Variation ID: 907516). Advanced modeling of protein sequence and biophysical properties (such as structural, functional, and spatial information, amino acid conservation, physicochemical variation, residue mobility, and thermodynamic stability) performed at Invitae indicates that this missense variant is not expected to disrupt ADGRV1 protein function with a negative predictive value of 80%. In summary, the available evidence is currently insufficient to determine the role of this variant in disease. Therefore, it has been classified as a Variant of Uncertain Significance.

Illumina Laboratory Services, Illumina
Classification: Uncertain significance for Usher syndrome type 2C. Last evaluated: 2018-01-12. Review status: criteria provided, single submitter. Criteria: ICSL Variant Classification Criteria 13 December 2019. Collection method: clinical testing. Allele origin: germline.